The following is an entry in ClinVar:

ClinVar aggregate classification (germline): Likely pathogenic (1 of 4 stars; one submission).

Conditions:
Glycogen storage disease, type IV (GSD4). Also called: AMYLOPECTINOSIS; ANDERSEN DISEASE; BRANCHER DEFICIENCY; CIRRHOSIS, FAMILIAL, WITH DEPOSITION OF ABNORMAL GLYCOGEN; GBE1 DEFICIENCY; GLYCOGEN BRANCHING ENZYME DEFICIENCY. Identifiers: Orphanet 367, MedGen C0017923, MONDO:0009292, OMIM 232500.

Submission:

Broad Center for Mendelian Genomics, Broad Institute of MIT and Harvard
Classification: Likely pathogenic for Glycogen storage disease, type IV. Last evaluated: 2025-06-06. Review status: criteria provided, single submitter. Criteria: ACMG/ClinGen CNV Guidelines, 2019. Collection method: curation. Allele origin: unknown. Inheritance: Autosomal recessive inheritance.
Comment: The exon 7 deletion variant in GBE1 was identified, in the compound heterozygous state with a pathogenic variant (VCV000371491.9) in 1 individual with glycogen storage disease IV (GSD IV) (PMID: 21917543), and has been identified in 0.03% (1/3180) of Ashkenazi Jewish chromosomes by the Genome Aggregation Database (gnomAD). Although this variant has been seen in the general population in a heterozygous state, its frequency is not high enough to rule out a pathogenic role. This exon 7 deletion variant is not predicted to cause a frameshift, and is more likely to escape nonsense mediated decay (NMD) and result in a truncated protein. Loss of function of GBE1 is an established disease mechanism in autosomal recessive GSD IV. In summary, although additional studies are required to fully establish its clinical significance, this variant is likely pathogenic for autosomal recessive GSD IV. The ACMG/ClinGen evidence codes and points used in this curation are as follows: 1A: 0 points, 2E: 0.45 points, 3A: 0 points, 4E: 0.3 points, 5G: 0.15 points; Total: 0.9 points; Riggs 2020 (PMID: 31690835).

Literature cited by the submitters: PubMed 21917543.

Single allele

Gene: GBE1 (1,4-alpha-glucan branching enzyme 1; minus strand). Cytogenetic location: 3p12.2.
Variant type: Deletion.
Identifiers: ClinVar variation 4056484 (VCV004056484.1).